The following is an entry in ClinVar:

NM_018010.4(IFT57):c.173A>T (p.Glu58Val)

Gene: IFT57 (intraflagellar transport 57; minus strand). Cytogenetic location: 3q13.13.
Variant type: single nucleotide variant.
Coding change: c.173A>T on transcript NM_018010.4 (MANE Select); coding-DNA position 173, A replaced by T.
Protein change: p.Glu58Val; replaces glutamic acid 58 with valine.
Molecular consequence: missense variant.
Genome position (GRCh38, 1-based): chr3:108,222,150, T>A on the plus strand (A>T on the coding strand, the complement: IFT57 is on the minus strand). VCF-style: chr3-108222150-T-A. GRCh37 (hg19) VCF-style: chr3-107940997-T-A.
Other names: short protein forms E58V.
Identifiers: ClinVar variation 1942582 (VCV001942582.5), dbSNP rs200372212, ClinGen allele CA2526819.
Genomic context (GRCh38, chr3:108,222,150, plus strand): 5'-CTCGGGGACGCCGGCACCCACCTGGACGGGGCCTTCAGGTTGCTCTTCCGGAGGAACTCC[T>A]CCTCGTAGCGGAGCAGCTTCAGCTTCTCCACCAAGTCCTCCATCACCACGAACATGTGGT-3'
Protein context (NP_060480.1, residues 48-68): VEKLKLLRYE[Glu58Val]EFLRKSNLKA

ClinVar aggregate classification (germline): Uncertain significance (1 of 4 stars; one submission).

Allele frequency attached by ClinVar (database versions not stated): ExAC 0.00002; gnomAD 0.00002; 1000 Genomes Project 0.00020; 1000 Genomes Project 30x 0.00031.
gnomAD v4.1: 25 of 1,613,150 alleles (0.0015%); highest among the groups gnomAD compares: East Asian, 0.029%; no homozygotes.

Submission:

Labcorp Genetics (formerly Invitae), Labcorp
Classification: Uncertain significance. Last evaluated: 2022-09-03. Review status: criteria provided, single submitter. Criteria: Invitae Variant Classification Sherloc (09022015). Collection method: clinical testing. Allele origin: germline.
Comment: In summary, the available evidence is currently insufficient to determine the role of this variant in disease. Therefore, it has been classified as a Variant of Uncertain Significance. Algorithms developed to predict the effect of missense changes on protein structure and function are either unavailable or do not agree on the potential impact of this missense change (SIFT: "Deleterious"; PolyPhen-2: "Possibly Damaging"; Align-GVGD: "Class C15"). This variant has not been reported in the literature in individuals affected with IFT57-related conditions. This variant is present in population databases (rs200372212, gnomAD 0.006%). This sequence change replaces glutamic acid, which is acidic and polar, with valine, which is neutral and non-polar, at codon 58 of the IFT57 protein (p.Glu58Val).